The following is an entry in ClinVar:

ClinVar aggregate classification (germline): Uncertain significance. Review status: criteria provided, multiple submitters, no conflicts (2 of 4 stars). 2 submissions from 2 submitters: Uncertain significance (2). Last evaluated 2023-11-13.

Conditions:
Inborn genetic diseases. Identifiers: MedGen C0950123, MeSH D030342.

Allele frequency attached by ClinVar (database versions not stated): TOPMed 0.00002; gnomAD 0.00001; ExAC 0.00002; ESP Exome Variant Server 0.00008; gnomAD exomes 0.00002.

Submissions (2):

Ambry Genetics
Classification: Uncertain significance for Inborn genetic diseases. Last evaluated: 2023-11-13. Review status: criteria provided, single submitter. Criteria: Ambry Variant Classification Scheme 2023. Collection method: clinical testing. Allele origin: germline.

Labcorp Genetics (formerly Invitae), Labcorp
Classification: Uncertain significance. Last evaluated: 2022-10-24. Review status: criteria provided, single submitter. Criteria: Invitae Variant Classification Sherloc (09022015). Collection method: clinical testing. Allele origin: germline.
Comment: This sequence change replaces asparagine, which is neutral and polar, with serine, which is neutral and polar, at codon 1902 of the MPDZ protein (p.Asn1902Ser). This variant is present in population databases (rs372236469, gnomAD 0.004%). This variant has not been reported in the literature in individuals affected with MPDZ-related conditions. ClinVar contains an entry for this variant (Variation ID: 1423178). Algorithms developed to predict the effect of missense changes on protein structure and function output the following: SIFT: "Tolerated"; PolyPhen-2: "Benign"; Align-GVGD: "Class C0". The serine amino acid residue is found in multiple mammalian species, which suggests that this missense change does not adversely affect protein function. In summary, the available evidence is currently insufficient to determine the role of this variant in disease. Therefore, it has been classified as a Variant of Uncertain Significance.

NM_001378778.1(MPDZ):c.5792A>G (p.Asn1931Ser)

Gene: MPDZ (multiple PDZ domain crumbs cell polarity complex component; minus strand). Cytogenetic location: 9p23.
Variant type: single nucleotide variant.
Coding change: c.5792A>G on transcript NM_001378778.1 (MANE Select); coding-DNA position 5792, A replaced by G.
Protein change: p.Asn1931Ser; replaces asparagine 1931 with serine.
Molecular consequence: missense variant.
Genome position (GRCh38, 1-based): chr9:13,110,673, T>C on the plus strand (A>G on the coding strand, the complement: MPDZ is on the minus strand). VCF-style: chr9-13110673-T-C. GRCh37 (hg19) VCF-style: chr9-13110672-T-C.
Other names: c.5705A>G, p.Asn1902Ser (NM_003829.5); c.5705A>G (NM_003829.3); c.5693A>G, p.Asn1898Ser (NM_001261406.2, NM_001375416.1, NM_001375417.1 and 1 more transcripts); c.5606A>G, p.Asn1869Ser (NM_001261407.2, NM_001375419.1); c.5792A>G, p.Asn1931Ser (NM_001330637.2); c.5891A>G, p.Asn1964Ser (NM_001375413.1); c.5582A>G, p.Asn1861Ser (NM_001375420.1, NM_001375421.1, NM_001375422.1 and 2 more transcripts); c.5495A>G, p.Asn1832Ser (NM_001375425.1, NM_001375426.1); and 1 more; short protein forms N1898S, N1832S, N1861S, N1795S, N1869S, N1902S, N1931S, N1964S.
Identifiers: ClinVar variation 1423178 (VCV001423178.6), dbSNP rs372236469, ClinGen allele CA4986112.